The following is an entry in ClinVar:

ClinVar aggregate classification (germline): Likely pathogenic (1 of 4 stars; one submission).

Submission:

Labcorp Genetics (formerly Invitae), Labcorp
Classification: Likely pathogenic. Last evaluated: 2024-05-22. Review status: criteria provided, single submitter. Criteria: Invitae Variant Classification Sherloc (09022015). Collection method: clinical testing. Allele origin: germline.
Comment: This sequence change replaces cysteine, which is neutral and slightly polar, with phenylalanine, which is neutral and non-polar, at codon 75 of the COL2A1 protein (p.Cys75Phe). This variant is not present in population databases (gnomAD no frequency). This missense change has been observed in individual(s) with Stickler syndrome (Invitae). ClinVar contains an entry for this variant (Variation ID: 1056071). Advanced modeling of protein sequence and biophysical properties (such as structural, functional, and spatial information, amino acid conservation, physicochemical variation, residue mobility, and thermodynamic stability) performed at Invitae indicates that this missense variant is expected to disrupt COL2A1 protein function with a positive predictive value of 95%. In summary, the currently available evidence indicates that the variant is pathogenic, but additional data are needed to prove that conclusively. Therefore, this variant has been classified as Likely Pathogenic.

NM_001844.5(COL2A1):c.224G>T (p.Cys75Phe)

Gene: COL2A1 (collagen type II alpha 1 chain; minus strand). Cytogenetic location: 12q13.11.
Variant type: single nucleotide variant.
Coding change: c.224G>T on transcript NM_001844.5 (MANE Select); coding-DNA position 224, G replaced by T.
Protein change: p.Cys75Phe; replaces cysteine 75 with phenylalanine.
Molecular consequence: missense variant. On other transcripts: intron variant (1).
Genome position (GRCh38, 1-based): chr12:47,999,987, C>A on the plus strand (G>T on the coding strand, the complement: COL2A1 is on the minus strand). VCF-style: chr12-47999987-C-A. GRCh37 (hg19) VCF-style: chr12-48393770-C-A.
Other names: c.86-1556G>T (NM_033150.3); short protein forms C75F.
Identifiers: ClinVar variation 1056071 (VCV001056071.9), dbSNP rs2136637051, ClinGen allele CA384526090.